The following is an entry in ClinVar:

ClinVar aggregate classification (germline): Uncertain significance (1 of 4 stars; one submission).

Submission:

GeneDx
Classification: Uncertain significance. Last evaluated: 2019-07-20. Review status: criteria provided, single submitter. Criteria: GeneDx Variant Classification Process June 2021. Collection method: clinical testing. Allele origin: germline. Affected: yes.
Comment: Not observed in large population cohorts (Lek et al., 2016); In silico analysis, which includes protein predictors and evolutionary conservation, supports that this variant does not alter protein structure/function; Has not been previously published as pathogenic or benign to our knowledge

NM_019842.4(KCNQ5):c.1884A>T (p.Gln628His)

Gene: KCNQ5 (potassium voltage-gated channel subfamily Q member 5; plus strand). Cytogenetic location: 6q13.
Variant type: single nucleotide variant.
Coding change: c.1884A>T on transcript NM_019842.4 (MANE Select); coding-DNA position 1884, A replaced by T.
Protein change: p.Gln628His; replaces glutamine 628 with histidine.
Molecular consequence: missense variant.
Genome position (GRCh38, 1-based): chr6:73,194,499, A>T. VCF-style: chr6-73194499-A-T. GRCh37 (hg19) VCF-style: chr6-73904222-A-T.
Other names: c.1857A>T, p.Gln619His (NM_001160130.2); c.1914A>T, p.Gln638His (NM_001160132.2); c.1941A>T, p.Gln647His (NM_001160133.2); c.1554A>T, p.Gln518His (NM_001160134.2); short protein forms Q518H, Q619H, Q628H, Q638H, Q647H.
Identifiers: ClinVar variation 1306814 (VCV001306814.2), dbSNP rs2150527524, ClinGen allele CA364694268.